The following is an entry in ClinVar:

ClinVar aggregate classification (germline): Uncertain significance. Review status: criteria provided, multiple submitters, no conflicts (2 of 4 stars). 2 submissions from 2 submitters: Uncertain significance (2). Last evaluated 2025-06-11.

Allele frequency attached by ClinVar (database versions not stated): ESP Exome Variant Server 0.00008; ExAC 0.00010; gnomAD exomes 0.00013; TOPMed 0.00017; gnomAD 0.00021; 1000 Genomes Project 0.00040; 1000 Genomes Project 30x 0.00047.
gnomAD v4.1: 220 of 1,585,578 alleles (0.014%); highest among the groups gnomAD compares: African/African-American, 0.042%; no homozygotes.

Submissions (2):

Labcorp Genetics (formerly Invitae), Labcorp
Classification: Uncertain significance. Last evaluated: 2025-06-11. Review status: criteria provided, single submitter. Criteria: Invitae Variant Classification Sherloc (09022015). Collection method: clinical testing. Allele origin: germline.
Comment: This sequence change replaces leucine, which is neutral and non-polar, with phenylalanine, which is neutral and non-polar, at codon 137 of the LRRCC1 protein (p.Leu137Phe). This variant is present in population databases (rs181478241, gnomAD 0.08%), and has an allele count higher than expected for a pathogenic variant. This variant has not been reported in the literature in individuals affected with LRRCC1-related conditions. ClinVar contains an entry for this variant (Variation ID: 2052165). An algorithm developed to predict the effect of missense changes on protein structure and function (PolyPhen-2) suggests that this variant is likely to be disruptive. In summary, the available evidence is currently insufficient to determine the role of this variant in disease. Therefore, it has been classified as a Variant of Uncertain Significance.

Ambry Genetics
Classification: Uncertain significance. Last evaluated: 2024-12-10. Review status: criteria provided, single submitter. Criteria: Ambry Variant Classification Scheme 2023. Collection method: clinical testing. Allele origin: germline.

NM_033402.5(LRRCC1):c.409C>T (p.Leu137Phe)

Gene: LRRCC1 (leucine rich repeat and coiled-coil centrosomal protein 1; plus strand). Cytogenetic location: 8q21.2.
Variant type: single nucleotide variant.
Coding change: c.409C>T on transcript NM_033402.5 (MANE Select); coding-DNA position 409, C replaced by T.
Protein change: p.Leu137Phe; replaces leucine 137 with phenylalanine.
Molecular consequence: missense variant. On other transcripts: 5 prime UTR variant (3).
Genome position (GRCh38, 1-based): chr8:85,112,964, C>T. VCF-style: chr8-85112964-C-T. GRCh37 (hg19) VCF-style: chr8-86025199-C-T.
Other names: c.130C>T, p.Leu44Phe (NM_001349636.2); c.-60C>T (NM_001349637.2); c.-103C>T (NM_001349638.2); c.-149C>T (NM_001349639.2); c.409C>T (NM_033402.4); short protein forms L44F, L137F.
Identifiers: ClinVar variation 2052165 (VCV002052165.5), dbSNP rs181478241, ClinGen allele CA4794393.